The following is an entry in ClinVar:

NM_014363.6(SACS):c.9702G>A (p.Trp3234Ter)

Gene: SACS (sacsin molecular chaperone; minus strand). Cytogenetic location: 13q12.12.
Variant type: single nucleotide variant.
Coding change: c.9702G>A on transcript NM_014363.6 (MANE Select); coding-DNA position 9702, G replaced by A.
Protein change: p.Trp3234Ter; replaces tryptophan 3234 with a stop codon.
Molecular consequence: nonsense.
Genome position (GRCh38, 1-based): chr13:23,334,174, C>T on the plus strand (G>A on the coding strand, the complement: SACS is on the minus strand). VCF-style: chr13-23334174-C-T. GRCh37 (hg19) VCF-style: chr13-23908313-C-T.
Other names: c.9261G>A, p.Trp3087Ter (NM_001278055.2); short protein forms W3087*, W3234*.
Identifiers: ClinVar variation 1457585 (VCV001457585.8), dbSNP rs2137581531, ClinGen allele CA387513852.

ClinVar aggregate classification (germline): Pathogenic (1 of 4 stars; one submission).

Conditions:
Spastic paraplegia. Identifiers: MedGen C0037772, HP:0001258.

Submission:

Labcorp Genetics (formerly Invitae), Labcorp
Classification: Pathogenic for Spastic paraplegia. Last evaluated: 2021-01-31. Review status: criteria provided, single submitter. Criteria: Invitae Variant Classification Sherloc (09022015). Collection method: clinical testing. Allele origin: germline.
Comment: This variant has not been reported in the literature in individuals with SACS-related conditions. For these reasons, this variant has been classified as Pathogenic. This variant disrupts the C-terminus of the SACS protein. Other variant(s) that disrupt this region (p.Gln4054*) have been determined to be pathogenic (PMID: 18465152, 27288452). This suggests that variants that disrupt this region of the protein are likely to be causative of disease. This variant is not present in population databases (ExAC no frequency). This sequence change creates a premature translational stop signal (p.Trp3234*) in the SACS gene. While this is not anticipated to result in nonsense mediated decay, it is expected to disrupt the last 1346 amino acid(s) of the SACS protein.

Literature cited by the submitters: PubMed 18465152; PubMed 27288452.